The following is an entry in ClinVar:

NM_198525.3(KIF7):c.1466T>C (p.Leu489Pro)

Gene: KIF7 (kinesin family member 7; minus strand). Cytogenetic location: 15q26.1.
Variant type: single nucleotide variant.
Coding change: c.1466T>C on transcript NM_198525.3 (MANE Select); coding-DNA position 1466, T replaced by C.
Protein change: p.Leu489Pro; replaces leucine 489 with proline.
Molecular consequence: missense variant.
Genome position (GRCh38, 1-based): chr15:89,647,690, A>G on the plus strand (T>C on the coding strand, the complement: KIF7 is on the minus strand). VCF-style: chr15-89647690-A-G. GRCh37 (hg19) VCF-style: chr15-90190921-A-G.
Other names: short protein forms L489P.
Identifiers: ClinVar variation 1378382 (VCV001378382.6), dbSNP rs2142026620, ClinGen allele CA393768826.

ClinVar aggregate classification (germline): Uncertain significance (1 of 4 stars; one submission).

Conditions:
Acrocallosal syndrome (ACLS). Also called: HALLUX DUPLICATION, POSTAXIAL POLYDACTYLY, AND ABSENCE OF CORPUS CALLOSUM; Schinzel syndrome 1; Absence of corpus callosum with unusual facial appearance, mental deficiency, duplication of the halluces and polydactyly. Identifiers: Orphanet 36, MedGen C0796147, MONDO:0008708, OMIM 200990.

Submission:

Labcorp Genetics (formerly Invitae), Labcorp
Classification: Uncertain significance for Acrocallosal syndrome. Last evaluated: 2021-08-28. Review status: criteria provided, single submitter. Criteria: Invitae Variant Classification Sherloc (09022015). Collection method: clinical testing. Allele origin: germline.
Comment: This sequence change replaces leucine with proline at codon 489 of the KIF7 protein (p.Leu489Pro). The leucine residue is weakly conserved and there is a moderate physicochemical difference between leucine and proline. This variant is not present in population databases (ExAC no frequency). This variant has not been reported in the literature in individuals affected with KIF7-related conditions. Algorithms developed to predict the effect of missense changes on protein structure and function are either unavailable or do not agree on the potential impact of this missense change (SIFT: "Deleterious"; PolyPhen-2: "Probably Damaging"; Align-GVGD: "Class C0"). In summary, the available evidence is currently insufficient to determine the role of this variant in disease. Therefore, it has been classified as a Variant of Uncertain Significance.